The following is an entry in ClinVar:

NM_001386298.1(CIC):c.4361C>T (p.Ser1454Leu)

Gene: CIC (capicua transcriptional repressor; plus strand). Cytogenetic location: 19q13.2.
Variant type: single nucleotide variant.
Coding change: c.4361C>T on transcript NM_001386298.1 (MANE Select); coding-DNA position 4361, C replaced by T.
Protein change: p.Ser1454Leu; replaces serine 1454 with leucine.
Molecular consequence: missense variant.
Genome position (GRCh38, 1-based): chr19:42,290,402, C>T. VCF-style: chr19-42290402-C-T. GRCh37 (hg19) VCF-style: chr19-42794554-C-T.
Other names: c.4361C>T, p.Ser1454Leu (NM_001304815.2, NM_001379480.1, NM_001379482.1 and 1 more transcripts); c.1634C>T, p.Ser545Leu (NM_001379484.1, NM_001379485.1, NM_015125.5); short protein forms S1454L, S545L.
Identifiers: ClinVar variation 2359907 (VCV002359907.7), dbSNP rs150295260, ClinGen allele CA9472064.
Genomic context (GRCh38, chr19:42,290,402, plus strand): 5'-GCAAAGGCTATGGTTCCGCCCCATCCTCCTCTGCGTCCTCGCCTGCTTCCTCCTCAGCCT[C>T]GGCAGCCACCTCCTTCTCACTGGGCTCAGGAACCTTCAAGGCCCAGGAGTCTGGTCAGGG-3'
Protein context (NP_001373227.1, residues 1444-1464): SASSPASSSA[Ser1454Leu]AATSFSLGSG

ClinVar aggregate classification (germline): Likely benign. Review status: criteria provided, multiple submitters, no conflicts (2 of 4 stars). 4 submissions from 4 submitters: Likely benign (3). 1 of the submissions does not count toward it. Last evaluated 2026-08-01.

Conditions:
CIC-related disorder. Also called: CIC-related condition.
Inborn genetic diseases. Identifiers: MedGen C0950123, MeSH D030342.

Allele frequency attached by ClinVar (database versions not stated): ESP Exome Variant Server 0.00015; gnomAD 0.00015; TOPMed 0.00017.
gnomAD v4.1: 437 of 1,613,966 alleles (0.027%); highest among the groups gnomAD compares: Non-Finnish European, 0.034%; 2 homozygotes.

Submissions (4):

CeGaT Center for Human Genetics Tuebingen
Classification: Likely benign. Last evaluated: 2026-08-01. Review status: criteria provided, single submitter. Criteria: CeGaT Center For Human Genetics Tuebingen Variant Classification Criteria Version 2. Collection method: clinical testing. Allele origin: germline. Affected: yes. Observed: 2 variant alleles.
Comment: CIC: BP4, BS2

Blueprint Genetics
Classification: Likely benign. Last evaluated: 2024-11-25. Review status: criteria provided, single submitter. Criteria: ACMG Guidelines, 2015. Collection method: clinical testing. Allele origin: germline.

Ambry Genetics
Classification: Likely benign for Inborn genetic diseases. Last evaluated: 2021-07-21. Review status: criteria provided, single submitter. Criteria: Ambry Variant Classification Scheme 2023. Collection method: clinical testing. Allele origin: germline.

PreventionGenetics, part of Exact Sciences
Classification: Likely benign for CIC-related condition. Last evaluated: 2021-10-05. Review status: no assertion criteria provided. Collection method: clinical testing. Allele origin: germline. Not counted in ClinVar's aggregate classification.
Comment: This variant is classified as likely benign based on ACMG/AMP sequence variant interpretation guidelines (Richards et al. 2015 PMID: 25741868, with internal and published modifications).